The following is an entry in ClinVar:

ClinVar aggregate classification (germline): Uncertain significance. Review status: criteria provided, multiple submitters, no conflicts (2 of 4 stars). 2 submissions from 2 submitters: Uncertain significance (2). Last evaluated 2026-01-04.

Conditions:
Hereditary cancer-predisposing syndrome. Also called: Neoplastic Syndromes, Hereditary; Hereditary Cancer Syndrome; Hereditary neoplastic syndrome; Tumor predisposition. Identifiers: Orphanet 140162, MedGen C0027672, MeSH D009386, MONDO:0015356.
Multiple endocrine neoplasia, type 1 (MEN1). Also called: MEN I; WERMER SYNDROME; Endocrine adenomatosis multiple; MEN 1; MEA I. Identifiers: Orphanet 652, MedGen C0025267, MeSH D018761, MONDO:0007540, OMIM 131100.

Submissions (2):

Ambry Genetics
Classification: Uncertain significance for Hereditary cancer-predisposing syndrome. Last evaluated: 2026-01-04. Review status: criteria provided, single submitter. Criteria: Ambry Variant Classification Scheme 2023. Collection method: clinical testing. Allele origin: germline.
Comment: The p.I306M variant (also known as c.918T>G), located in coding exon 6 of the MEN1 gene, results from a T to G substitution at nucleotide position 918. The isoleucine at codon 306 is replaced by methionine, an amino acid with highly similar properties. This amino acid position is conserved. In addition, the in silico prediction for this alteration is inconclusive. Based on the available evidence, the clinical significance of this variant remains unclear.

Labcorp Genetics (formerly Invitae), Labcorp
Classification: Uncertain significance for Multiple endocrine neoplasia, type 1. Last evaluated: 2024-02-07. Review status: criteria provided, single submitter. Criteria: Invitae Variant Classification Sherloc (09022015). Collection method: clinical testing. Allele origin: germline.
Comment: This sequence change replaces isoleucine, which is neutral and non-polar, with methionine, which is neutral and non-polar, at codon 306 of the MEN1 protein (p.Ile306Met). This variant is not present in population databases (gnomAD no frequency). This variant has not been reported in the literature in individuals affected with MEN1-related conditions. Advanced modeling of protein sequence and biophysical properties (such as structural, functional, and spatial information, amino acid conservation, physicochemical variation, residue mobility, and thermodynamic stability) performed at Invitae indicates that this missense variant is not expected to disrupt MEN1 protein function with a negative predictive value of 95%. In summary, the available evidence is currently insufficient to determine the role of this variant in disease. Therefore, it has been classified as a Variant of Uncertain Significance.

NM_001370259.2(MEN1):c.918T>G (p.Ile306Met)

Gene: MEN1 (menin 1; minus strand). Cytogenetic location: 11q13.1.
Variant type: single nucleotide variant.
Coding change: c.918T>G on transcript NM_001370259.2 (MANE Select); coding-DNA position 918, T replaced by G.
Protein change: p.Ile306Met; replaces isoleucine 306 with methionine.
Molecular consequence: missense variant. On other transcripts: non-coding transcript variant (4).
Genome position (GRCh38, 1-based): chr11:64,806,363, A>C on the plus strand (T>G on the coding strand, the complement: MEN1 is on the minus strand). VCF-style: chr11-64806363-A-C. GRCh37 (hg19) VCF-style: chr11-64573835-A-C.
Other names: c.933T>G, p.Ile311Met (NM_000244.4, NM_130800.3, NM_130801.3 and 5 more transcripts); c.918T>G, p.Ile306Met (NM_001370251.2, NM_001370260.2, NM_001370261.2 and 7 more transcripts); c.813T>G, p.Ile271Met (NM_001370262.2, NM_001370263.2, NM_001407148.1 and 2 more transcripts); short protein forms I271M, I306M, I311M.
Identifiers: ClinVar variation 3609222 (VCV003609222.3).